The following is an entry in ClinVar:

ClinVar aggregate classification (germline): Likely pathogenic (1 of 4 stars; one submission).

Submission:

Labcorp Genetics (formerly Invitae), Labcorp
Classification: Likely pathogenic. Last evaluated: 2023-01-21. Review status: criteria provided, single submitter. Criteria: Invitae Variant Classification Sherloc (09022015). Collection method: clinical testing. Allele origin: germline.
Comment: In summary, the currently available evidence indicates that the variant is pathogenic, but additional data are needed to prove that conclusively. Therefore, this variant has been classified as Likely Pathogenic. Algorithms developed to predict the effect of sequence changes on RNA splicing suggest that this variant may disrupt the consensus splice site. This variant has not been reported in the literature in individuals affected with ADGRV1-related conditions. The frequency data for this variant in the population databases is considered unreliable, as metrics indicate poor data quality at this position in the gnomAD database. This sequence change affects a donor splice site in intron 77 of the ADGRV1 gene. It is expected to disrupt RNA splicing. Variants that disrupt the donor or acceptor splice site typically lead to a loss of protein function (PMID: 16199547), and loss-of-function variants in ADGRV1 are known to be pathogenic (PMID: 19357117, 22135276, 22147658, 26226137, 30718709, 31047384, 32467589).

Literature cited by the submitters: PubMed 16199547; PubMed 19357117; PubMed 22135276; PubMed 22147658; PubMed 26226137; PubMed 30718709; PubMed 31047384; PubMed 32467589.

NM_032119.4(ADGRV1):c.16611+1G>A

Gene: ADGRV1 (adhesion G protein-coupled receptor V1; plus strand). Cytogenetic location: 5q14.3.
Variant type: single nucleotide variant.
Coding change: c.16611+1G>A on transcript NM_032119.4 (MANE Select); the canonical splice donor site of the intron after coding-DNA position 16611, G replaced by A.
Molecular consequence: splice donor variant.
Genome position (GRCh38, 1-based): chr5:90,829,187, G>A. VCF-style: chr5-90829187-G-A. GRCh37 (hg19) VCF-style: chr5-90125004-G-A.
Identifiers: ClinVar variation 2830756 (VCV002830756.3), dbSNP rs1468626678, ClinGen allele CA360427563.